The following is an entry in ClinVar:

ClinVar aggregate classification (germline): Uncertain significance (1 of 4 stars; one submission).

gnomAD v4.1: 16 of 1,613,396 alleles (0.00099%); highest among the groups gnomAD compares: East Asian, 0.0022%; no homozygotes.

Submission:

Labcorp Genetics (formerly Invitae), Labcorp
Classification: Uncertain significance. Last evaluated: 2023-07-05. Review status: criteria provided, single submitter. Criteria: Invitae Variant Classification Sherloc (09022015). Collection method: clinical testing. Allele origin: germline.
Comment: Algorithms developed to predict the effect of missense changes on protein structure and function output the following: SIFT: "Not Available"; PolyPhen-2: "Benign"; Align-GVGD: "Not Available". The proline amino acid residue is found in multiple mammalian species, which suggests that this missense change does not adversely affect protein function. This sequence change replaces arginine, which is basic and polar, with proline, which is neutral and non-polar, at codon 584 of the DLL1 protein (p.Arg584Pro). The frequency data for this variant in the population databases is considered unreliable, as metrics indicate poor data quality at this position in the gnomAD database. This variant has not been reported in the literature in individuals affected with DLL1-related conditions. In summary, the available evidence is currently insufficient to determine the role of this variant in disease. Therefore, it has been classified as a Variant of Uncertain Significance.

NM_005618.4(DLL1):c.1751G>C (p.Arg584Pro)

Gene: DLL1 (delta like canonical Notch ligand 1; minus strand). Cytogenetic location: 6q27.
Variant type: single nucleotide variant.
Coding change: c.1751G>C on transcript NM_005618.4 (MANE Select); coding-DNA position 1751, G replaced by C.
Protein change: p.Arg584Pro; replaces arginine 584 with proline.
Molecular consequence: missense variant.
Genome position (GRCh38, 1-based): chr6:170,283,528, C>G on the plus strand (G>C on the coding strand, the complement: DLL1 is on the minus strand). VCF-style: chr6-170283528-C-G. GRCh37 (hg19) VCF-style: chr6-170592616-C-G.
Other names: short protein forms R584P.
Identifiers: ClinVar variation 3011777 (VCV003011777.3), dbSNP rs769719471, ClinGen allele CA4106736.